The following is an entry in ClinVar:

ClinVar aggregate classification (germline): Uncertain significance (1 of 4 stars; one submission).

Conditions:
SAMD9L-related disorder. Also called: SAMD9L-related condition; SAMD9L-related disorders.

Submission:

PreventionGenetics, part of Exact Sciences
Classification: Uncertain significance for SAMD9L-related condition. Last evaluated: 2022-11-22. Review status: criteria provided, single submitter. Criteria: ACMG Guidelines, 2015. Collection method: clinical testing. Allele origin: germline.
Comment: The SAMD9L c.1966C>A variant is predicted to result in the amino acid substitution p.Leu656Met. To our knowledge, this variant has not been reported in the literature or in a large population database, indicating this variant is rare. At this time, the clinical significance of this variant is uncertain due to the absence of conclusive functional and genetic evidence.

NM_152703.5(SAMD9L):c.1966C>A (p.Leu656Met)

Gene: SAMD9L (sterile alpha motif domain containing 9 like; minus strand). Cytogenetic location: 7q21.2.
Variant type: single nucleotide variant.
Coding change: c.1966C>A on transcript NM_152703.5 (MANE Select); coding-DNA position 1966, C replaced by A.
Protein change: p.Leu656Met; replaces leucine 656 with methionine.
Molecular consequence: missense variant.
Genome position (GRCh38, 1-based): chr7:93,134,006, G>T on the plus strand (C>A on the coding strand, the complement: SAMD9L is on the minus strand). VCF-style: chr7-93134006-G-T. GRCh37 (hg19) VCF-style: chr7-92763319-G-T.
Other names: c.1966C>A, p.Leu656Met (NM_001303496.3, NM_001303497.3, NM_001303498.3 and 5 more transcripts); short protein forms L656M.
Identifiers: ClinVar variation 2635526 (VCV002635526.1), dbSNP rs2535423777, ClinGen allele CA368193822.